The following is an entry in ClinVar:

ClinVar aggregate classification (germline): Uncertain significance. Review status: criteria provided, multiple submitters, no conflicts (2 of 4 stars). 5 submissions from 5 submitters: Uncertain significance (5). Last evaluated 2024-07-28.

Conditions:
Familial pancreatic carcinoma. Identifiers: Orphanet 1333, MedGen C2931038, MONDO:0015278, OMIM 260350.
Hereditary cancer-predisposing syndrome. Also called: Neoplastic Syndromes, Hereditary; Tumor predisposition; Hereditary Cancer Syndrome; Hereditary neoplastic syndrome. Identifiers: Orphanet 140162, MedGen C0027672, MeSH D009386, MONDO:0015356.

Allele frequency attached by ClinVar (database versions not stated): gnomAD exomes below 0.00001.
gnomAD v4.1: 1 of 1,590,322 alleles (0.000063%); highest among the groups gnomAD compares: Non-Finnish European, 0.000086%; no homozygotes.

Submissions (5):

Women's Health and Genetics/Laboratory Corporation of America, LabCorp
Classification: Uncertain significance. Last evaluated: 2024-07-28. Review status: criteria provided, single submitter. Criteria: LabCorp Variant Classification Summary - May 2015. Collection method: clinical testing. Allele origin: germline.

Ambry Genetics
Classification: Uncertain significance for Hereditary cancer-predisposing syndrome. Last evaluated: 2024-03-29. Review status: criteria provided, single submitter. Criteria: Ambry Variant Classification Scheme 2023. Collection method: clinical testing. Allele origin: germline.
Comment: The c.681+3A>G intronic variant results from an A to G substitution 3 nucleotides after coding exon 7 in the BRCA2 gene. This nucleotide position is highly conserved in available vertebrate species. In silico splice site analysis predicts that this alteration will not have any significant effect on splicing. Based on the available evidence, the clinical significance of this alteration remains unclear.

Department of Pathology and Laboratory Medicine, Sinai Health System
Classification: Uncertain significance for Familial pancreatic carcinoma. Last evaluated: 2023-03-02. Review status: criteria provided, single submitter. Criteria: ACMG Guidelines, 2015. Collection method: clinical testing. Allele origin: germline. Affected: yes.

Quest Diagnostics Nichols Institute San Juan Capistrano
Classification: Uncertain significance. Last evaluated: 2020-07-14. Review status: criteria provided, single submitter. Criteria: Quest Diagnostics criteria. Collection method: clinical testing. Allele origin: unknown.

Color Diagnostics, LLC DBA Color Health
Classification: Uncertain significance for Hereditary cancer-predisposing syndrome. Last evaluated: 2019-11-25. Review status: criteria provided, single submitter. Criteria: ACMG Guidelines, 2015. Collection method: clinical testing. Allele origin: germline.
Comment: This variant causes an A>G nucleotide substitution at the +3 position of intron 8 of the BRCA2 gene. To our knowledge, functional studies have not been performed for this variant. This variant has not been reported in individuals affected with hereditary cancer in the literature. This variant has not been identified in the general population by the Genome Aggregation Database (gnomAD). The available evidence is insufficient to determine the role of this variant in disease conclusively. Therefore, this variant is classified as a Variant of Uncertain Significance.

NM_000059.4(BRCA2):c.681+3A>G

Gene: BRCA2 (BRCA2 DNA repair associated; plus strand). Cytogenetic location: 13q13.1.
Variant type: single nucleotide variant.
Coding change: c.681+3A>G on transcript NM_000059.4 (MANE Select); 3 bases into the intron after coding-DNA position 681, A replaced by G.
Molecular consequence: intron variant.
Genome position (GRCh38, 1-based): chr13:32,329,495, A>G. VCF-style: chr13-32329495-A-G. GRCh37 (hg19) VCF-style: chr13-32903632-A-G.
Identifiers: ClinVar variation 922259 (VCV000922259.7), dbSNP rs1566220695, ClinGen allele CA1139663095.